The following is an entry in ClinVar:

ClinVar aggregate classification (germline): Likely benign. Review status: criteria provided, multiple submitters, no conflicts (2 of 4 stars). 3 submissions from 3 submitters: Likely benign (3). Last evaluated 2026-01-18.

Conditions:
ALG1-congenital disorder of glycosylation. Also called: CONGENITAL DISORDER OF GLYCOSYLATION, TYPE Ik; CDG Ik; ALG1-CDG. Identifiers: Orphanet 79327, MedGen C2931005, MONDO:0012052, OMIM 608540.

Allele frequency attached by ClinVar (database versions not stated): TOPMed 0.00013; gnomAD 0.00019 and 0.00023; gnomAD exomes 0.00026 and 0.00049; ESP Exome Variant Server 0.00031; ExAC 0.00069.
gnomAD v4.1: 412 of 1,612,578 alleles (0.026%); highest among the groups gnomAD compares: Non-Finnish European, 0.024%; 3 homozygotes.

Submissions (3):

Labcorp Genetics (formerly Invitae), Labcorp
Classification: Likely benign for ALG1-congenital disorder of glycosylation. Last evaluated: 2026-01-18. Review status: criteria provided, single submitter. Criteria: Invitae Variant Classification Sherloc (09022015). Collection method: clinical testing. Allele origin: germline.

Blueprint Genetics
Classification: Likely benign. Last evaluated: 2024-11-23. Review status: criteria provided, single submitter. Criteria: ACMG Guidelines, 2015. Collection method: clinical testing. Allele origin: germline.

GeneDx
Classification: Likely benign. Last evaluated: 2017-09-06. Review status: criteria provided, single submitter. Criteria: GeneDx Variant Classification (06012015). Collection method: clinical testing. Allele origin: germline. Affected: yes.
Comment: This variant is considered likely benign or benign based on one or more of the following criteria: it is a conservative change, it occurs at a poorly conserved position in the protein, it is predicted to be benign by multiple in silico algorithms, and/or has population frequency not consistent with disease.

NM_019109.5(ALG1):c.540-13T>C

Gene: ALG1 (ALG1 chitobiosyldiphosphodolichol beta-mannosyltransferase; plus strand). Cytogenetic location: 16p13.3.
Variant type: single nucleotide variant.
Coding change: c.540-13T>C on transcript NM_019109.5 (MANE Select); 13 bases into the intron before coding-DNA position 540, T replaced by C.
Molecular consequence: intron variant.
Genome position (GRCh38, 1-based): chr16:5,077,432, T>C. VCF-style: chr16-5077432-T-C. GRCh37 (hg19) VCF-style: chr16-5127433-T-C.
Other names: c.207-13T>C (NM_001330504.2).
Identifiers: ClinVar variation 387982 (VCV000387982.9), dbSNP rs201477967, ClinGen allele CA7889884.
Genomic context (GRCh38, chr16:5,077,432, plus strand): 5'-GGATGTCGAGTCACGCTGTGGTGGTAGCGGAGGCCTGTCTAGGGCTCTGCTGACTGCTGA[T>C]CTCTCTTTTCAGGTACGAGAAGTTCTTTGGGCGCCTGTCCCACCTGAACCTGTGTGTTAC-3'